The following is an entry in ClinVar:

NM_006302.3(MOGS):c.2033G>T (p.Arg678Leu)

Gene: MOGS (mannosyl-oligosaccharide glucosidase; minus strand). Cytogenetic location: 2p13.1.
Variant type: single nucleotide variant.
Coding change: c.2033G>T on transcript NM_006302.3 (MANE Select); coding-DNA position 2033, G replaced by T.
Protein change: p.Arg678Leu; replaces arginine 678 with leucine.
Molecular consequence: missense variant.
Genome position (GRCh38, 1-based): chr2:74,461,756, C>A on the plus strand (G>T on the coding strand, the complement: MOGS is on the minus strand). VCF-style: chr2-74461756-C-A. GRCh37 (hg19) VCF-style: chr2-74688883-C-A.
Other names: c.1715G>T, p.Arg572Leu (NM_001146158.2); short protein forms R572L, R678L.
Identifiers: ClinVar variation 1518373 (VCV001518373.5), dbSNP rs776932912, ClinGen allele CA1724673.

ClinVar aggregate classification (germline): Uncertain significance (1 of 4 stars; one submission).

Conditions:
MOGS-congenital disorder of glycosylation. Also called: MOGS-CDG; CDG IIb; GLUCOSIDASE I DEFICIENCY; CDG 2B. Identifiers: Orphanet 79330, MedGen C1853736, MONDO:0011629, OMIM 606056.

gnomAD v4.1: 15 of 1,614,194 alleles (0.00093%); highest among the groups gnomAD compares: Admixed American, 0.023%; no homozygotes.

Submission:

Labcorp Genetics (formerly Invitae), Labcorp
Classification: Uncertain significance for MOGS-congenital disorder of glycosylation. Last evaluated: 2021-09-01. Review status: criteria provided, single submitter. Criteria: Invitae Variant Classification Sherloc (09022015). Collection method: clinical testing. Allele origin: germline.
Comment: This sequence change replaces arginine with leucine at codon 678 of the MOGS protein (p.Arg678Leu). The arginine residue is moderately conserved and there is a moderate physicochemical difference between arginine and leucine. This variant is present in population databases (rs776932912, ExAC 0.02%). This variant has not been reported in the literature in individuals affected with MOGS-related conditions. Algorithms developed to predict the effect of missense changes on protein structure and function are either unavailable or do not agree on the potential impact of this missense change (SIFT: "Deleterious"; PolyPhen-2: "Benign"; Align-GVGD: "Class C0"). In summary, the available evidence is currently insufficient to determine the role of this variant in disease. Therefore, it has been classified as a Variant of Uncertain Significance.